The following is an entry in ClinVar:

ClinVar aggregate classification (germline): Uncertain significance. Review status: criteria provided, multiple submitters, no conflicts (2 of 4 stars). 2 submissions from 2 submitters: Uncertain significance (2). Last evaluated 2023-04-20.

Conditions:
Ataxia-telangiectasia-like disorder (ATLD). Identifiers: MedGen C1858391, MONDO:0011457.
Hereditary cancer-predisposing syndrome. Also called: Neoplastic Syndromes, Hereditary; Tumor predisposition; Hereditary Cancer Syndrome; Hereditary neoplastic syndrome. Identifiers: Orphanet 140162, MedGen C0027672, MeSH D009386, MONDO:0015356.

Allele frequency attached by ClinVar (database versions not stated): gnomAD exomes below 0.00001.
gnomAD v4.1: 2 of 1,614,088 alleles (0.00012%); highest among the groups gnomAD compares: Non-Finnish European, 0.00017%; no homozygotes.

Submissions (2):

Labcorp Genetics (formerly Invitae), Labcorp
Classification: Uncertain significance for Ataxia-telangiectasia-like disorder. Last evaluated: 2023-04-20. Review status: criteria provided, single submitter. Criteria: Invitae Variant Classification Sherloc (09022015). Collection method: clinical testing. Allele origin: germline.
Comment: In summary, the available evidence is currently insufficient to determine the role of this variant in disease. Therefore, it has been classified as a Variant of Uncertain Significance. An algorithm developed to predict the effect of missense changes on protein structure and function (PolyPhen-2) suggests that this variant is likely to be disruptive. ClinVar contains an entry for this variant (Variation ID: 481778). This variant has not been reported in the literature in individuals affected with MRE11-related conditions. This variant is not present in population databases (gnomAD no frequency). This sequence change replaces glutamic acid, which is acidic and polar, with glycine, which is neutral and non-polar, at codon 460 of the MRE11 protein (p.Glu460Gly).

Ambry Genetics
Classification: Uncertain significance for Hereditary cancer-predisposing syndrome. Last evaluated: 2018-11-08. Review status: criteria provided, single submitter. Criteria: Ambry Variant Classification Scheme 2023. Collection method: clinical testing. Allele origin: germline.
Comment: The p.E460G variant (also known as c.1379A>G), located in coding exon 12 of the MRE11A gene, results from an A to G substitution at nucleotide position 1379. The glutamic acid at codon 460 is replaced by glycine, an amino acid with similar properties. This amino acid position is highly conserved in available vertebrate species. In addition, this alteration is predicted to be deleterious by in silico analysis. Since supporting evidence is limited at this time, the clinical significance of this alteration remains unclear.

NM_005591.4(MRE11):c.1379A>G (p.Glu460Gly)

Gene: MRE11 (MRE11 double strand break repair nuclease; minus strand). Cytogenetic location: 11q21.
Variant type: single nucleotide variant.
Coding change: c.1379A>G on transcript NM_005591.4 (MANE Select); coding-DNA position 1379, A replaced by G.
Protein change: p.Glu460Gly; replaces glutamic acid 460 with glycine.
Molecular consequence: missense variant.
Genome position (GRCh38, 1-based): chr11:94,459,529, T>C on the plus strand (A>G on the coding strand, the complement: MRE11 is on the minus strand). VCF-style: chr11-94459529-T-C. GRCh37 (hg19) VCF-style: chr11-94192695-T-C.
Other names: c.1379A>G, p.Glu460Gly (NM_001330347.2, NM_005590.4); short protein forms E460G.
Identifiers: ClinVar variation 481778 (VCV000481778.8), dbSNP rs1555009398, ClinGen allele CA382371948.
Genomic context (GRCh38, chr11:94,459,529, plus strand): 5'-TTTTCCAACTGGTATTTCACTAATTCCTCAATGGCATCTTTCTCCTCCTTGTCCACAAAT[T>C]CTTGTACTGCTTCACCCATCCCTCTTTCTGTTAGCAGTGAGAGCTGCACATTCTGTAAGA-3'
Protein context (NP_005582.1, residues 450-470): TERGMGEAVQ[Glu460Gly]FVDKEEKDAI